The following is an entry in ClinVar:

ClinVar aggregate classification (germline): Uncertain significance (1 of 4 stars; one submission).

Conditions:
Xeroderma pigmentosum (XP). Identifiers: Orphanet 910, MedGen C0043346, MONDO:0019600.

Allele frequency attached by ClinVar (database versions not stated): gnomAD exomes 0.00003 and 0.00009; ExAC 0.00007; ESP Exome Variant Server 0.00008; gnomAD 0.00019 and 0.00021; TOPMed 0.00022.
gnomAD v4.1: 101 of 1,614,028 alleles (0.0063%); highest among the groups gnomAD compares: African/African-American, 0.036%; no homozygotes.

Submission:

Sema4
Classification: Uncertain significance for Xeroderma pigmentosum. Last evaluated: 2021-10-14. Review status: criteria provided, single submitter. Criteria: Sema4 Curation Guidelines. Collection method: curation. Allele origin: germline.
Comment: The DDB2 c.674T>C (p.V225A) variant has been reported in heterozygosity in at least one individuals with pediatric hyperdiploid acute lymphoblastic leukemia (ALL) (PMID: 26580448). It was observed in 9/19944 chromosomes of the East Asian subpopulation in the large and broad cohorts of the Genome Aggregation Database (PMID: 32461654). The variant has not been reported in ClinVar. Functional studies have not been performed, and in silico predictions of the variant's effect on protein function are inconclusive. The evidence is insufficient to meet ACMG/AMP criteria for classifying the variant as benign or pathogenic. Thus, the clinical significance of this variant is currently uncertain.

Literature cited by the submitters: PubMed 26580448.

NM_000107.3(DDB2):c.674T>C (p.Val225Ala)

Gene: DDB2 (damage specific DNA binding protein 2; plus strand). Cytogenetic location: 11p11.2.
Variant type: single nucleotide variant.
Coding change: c.674T>C on transcript NM_000107.3 (MANE Select); coding-DNA position 674, T replaced by C.
Protein change: p.Val225Ala; replaces valine 225 with alanine.
Molecular consequence: missense variant. On other transcripts: non-coding transcript variant (2), intron variant (2).
Genome position (GRCh38, 1-based): chr11:47,234,644, T>C. VCF-style: chr11-47234644-T-C. GRCh37 (hg19) VCF-style: chr11-47256195-T-C.
Other names: c.674T>C, p.Val225Ala (NM_001399874.1, NM_001399875.1); c.482T>C, p.Val161Ala (NM_001399878.1); c.457-3193T>C (NM_001399876.1, NM_001300734.2); short protein forms V161A, V225A.
Identifiers: ClinVar variation 1692150 (VCV001692150.1), dbSNP rs202083037, ClinGen allele CA5972578.